The following is an entry in ClinVar:

NM_001371727.1(GABRB2):c.1529A>T (p.Tyr510Phe)

Gene: GABRB2 (gamma-aminobutyric acid type A receptor subunit beta2; minus strand). Cytogenetic location: 5q34.
Variant type: single nucleotide variant.
Coding change: c.1529A>T on transcript NM_001371727.1 (MANE Select); coding-DNA position 1529, A replaced by T.
Protein change: p.Tyr510Phe; replaces tyrosine 510 with phenylalanine.
Molecular consequence: missense variant.
Genome position (GRCh38, 1-based): chr5:161,294,091, T>A on the plus strand (A>T on the coding strand, the complement: GABRB2 is on the minus strand). VCF-style: chr5-161294091-T-A. GRCh37 (hg19) VCF-style: chr5-160721098-T-A.
Other names: c.1415A>T, p.Tyr472Phe (NM_000813.3); c.1529A>T, p.Tyr510Phe (NM_021911.3); short protein forms Y510F, Y472F.
Identifiers: ClinVar variation 2704709 (VCV002704709.3), dbSNP rs2546532497, ClinGen allele CA362172661.
Genomic context (GRCh38, chr5:161,294,091, plus strand): 5'-AACTGGTTTGAGGAGGAATCTAGTCCTTGCTTCCAGTGGGAGGCCATGTTTTAGTTCACA[T>A]AATAAAGCCAATAGACGATGTTGAAGAAGGAAAAAACCACTGGGAAGAATATGCGGGACC-3'
Protein context (NP_001358656.1, residues 500-512): SFFNIVYWLY[Tyr510Phe]VN

ClinVar aggregate classification (germline): Uncertain significance (1 of 4 stars; one submission).

Conditions:
Intellectual disability. Also called: Intellectual functioning disability; intellectual disabilities; Intellectual developmental disorder. Identifiers: MedGen C3714756, MeSH D008607, MONDO:0001071, HP:0001249.

Submission:

Labcorp Genetics (formerly Invitae), Labcorp
Classification: Uncertain significance for Intellectual disability. Last evaluated: 2023-12-21. Review status: criteria provided, single submitter. Criteria: Invitae Variant Classification Sherloc (09022015). Collection method: clinical testing. Allele origin: germline.
Comment: This sequence change replaces tyrosine, which is neutral and polar, with phenylalanine, which is neutral and non-polar, at codon 510 of the GABRB2 protein (p.Tyr510Phe). This variant is not present in population databases (gnomAD no frequency). This variant has not been reported in the literature in individuals affected with GABRB2-related conditions. Advanced modeling of protein sequence and biophysical properties (such as structural, functional, and spatial information, amino acid conservation, physicochemical variation, residue mobility, and thermodynamic stability) has been performed at Invitae for this missense variant, however the output from this modeling did not meet the statistical confidence thresholds required to predict the impact of this variant on GABRB2 protein function. In summary, the available evidence is currently insufficient to determine the role of this variant in disease. Therefore, it has been classified as a Variant of Uncertain Significance.